The following is an entry in ClinVar:

ClinVar aggregate classification (germline): Uncertain significance (1 of 4 stars; one submission).

Allele frequency attached by ClinVar (database versions not stated): gnomAD exomes below 0.00001 and 0.00001; TOPMed below 0.00001; ExAC 0.00001.
gnomAD v4.1: 5 of 1,614,198 alleles (0.00031%); highest among the groups gnomAD compares: Non-Finnish European, 0.00042%; no homozygotes.

Submission:

Labcorp Genetics (formerly Invitae), Labcorp
Classification: Uncertain significance. Last evaluated: 2022-07-19. Review status: criteria provided, single submitter. Criteria: Invitae Variant Classification Sherloc (09022015). Collection method: clinical testing. Allele origin: germline.
Comment: In summary, the available evidence is currently insufficient to determine the role of this variant in disease. Therefore, it has been classified as a Variant of Uncertain Significance. Advanced modeling of protein sequence and biophysical properties (such as structural, functional, and spatial information, amino acid conservation, physicochemical variation, residue mobility, and thermodynamic stability) performed at Invitae indicates that this missense variant is not expected to disrupt MTOR protein function. ClinVar contains an entry for this variant (Variation ID: 1021908). This variant has not been reported in the literature in individuals affected with MTOR-related conditions. This variant is present in population databases (rs774441880, gnomAD 0.0009%). This sequence change replaces alanine, which is neutral and non-polar, with valine, which is neutral and non-polar, at codon 648 of the MTOR protein (p.Ala648Val).

NM_004958.4(MTOR):c.1943C>T (p.Ala648Val)

Gene: MTOR (mechanistic target of rapamycin kinase; minus strand). Cytogenetic location: 1p36.22.
Variant type: single nucleotide variant.
Coding change: c.1943C>T on transcript NM_004958.4 (MANE Select); coding-DNA position 1943, C replaced by T.
Protein change: p.Ala648Val; replaces alanine 648 with valine.
Molecular consequence: missense variant.
Genome position (GRCh38, 1-based): chr1:11,238,461, G>A on the plus strand (C>T on the coding strand, the complement: MTOR is on the minus strand). VCF-style: chr1-11238461-G-A. GRCh37 (hg19) VCF-style: chr1-11298518-G-A.
Other names: short protein forms A648V.
Identifiers: ClinVar variation 1021908 (VCV001021908.8), dbSNP rs774441880, ClinGen allele CA590606.